The following is an entry in ClinVar:

ClinVar aggregate classification (germline): Likely benign. Review status: criteria provided, multiple submitters, no conflicts (2 of 4 stars). 3 submissions from 3 submitters: Likely benign (3). Last evaluated 2025-12-15.

Conditions:
Developmental and epileptic encephalopathy, 25 (DEE25). Also called: Developmental and epileptic encephalopathy 25, with amelogenesis imperfecta; Epileptic encephalopathy, early infantile, 25, with amelogenesis imperfecta; Epileptic encephalopathy, early infantile, 25. Identifiers: Orphanet 442835, MedGen C4014621, MONDO:0014392, OMIM 615905.

Allele frequency attached by ClinVar (database versions not stated): gnomAD 0.00001 and 0.00002; TOPMed 0.00001; ExAC 0.00002; gnomAD exomes 0.00002.
gnomAD v4.1: 35 of 1,613,854 alleles (0.0022%); highest among the groups gnomAD compares: Middle Eastern, 0.016%; no homozygotes.

Submissions (3):

Labcorp Genetics (formerly Invitae), Labcorp
Classification: Likely benign for Developmental and epileptic encephalopathy, 25. Last evaluated: 2025-12-15. Review status: criteria provided, single submitter. Criteria: Invitae Variant Classification Sherloc (09022015). Collection method: clinical testing. Allele origin: germline.

Mayo Clinic Laboratories, Mayo Clinic
Classification: Likely benign. Last evaluated: 2025-04-10. Review status: criteria provided, single submitter. Criteria: ACMG Guidelines, 2015. Collection method: clinical testing. Allele origin: germline. Observed: 1 variant allele.
Comment: BP4, BP7

CeGaT Center for Human Genetics Tuebingen
Classification: Likely benign. Last evaluated: 2024-07-01. Review status: criteria provided, single submitter. Criteria: CeGaT Center For Human Genetics Tuebingen Variant Classification Criteria Version 2. Collection method: clinical testing. Allele origin: germline. Affected: yes. Observed: 1 variant allele.
Comment: SLC13A5: BP4, BP7

NM_177550.5(SLC13A5):c.276C>T (p.Gly92=)

Gene: SLC13A5 (solute carrier family 13 member 5; minus strand). Cytogenetic location: 17p13.1.
Variant type: single nucleotide variant.
Coding change: c.276C>T on transcript NM_177550.5 (MANE Select); coding-DNA position 276, C replaced by T.
Protein change: p.Gly92=; no amino-acid change (glycine 92 retained).
Molecular consequence: synonymous variant.
Genome position (GRCh38, 1-based): chr17:6,706,734, G>A on the plus strand (C>T on the coding strand, the complement: SLC13A5 is on the minus strand). VCF-style: chr17-6706734-G-A. GRCh37 (hg19) VCF-style: chr17-6610053-G-A.
Other names: p.Gly92=; c.276C>T, p.Gly92= (NM_001143838.3, NM_001284509.2); c.147C>T, p.Gly49= (NM_001284510.2).
Identifiers: ClinVar variation 1078622 (VCV001078622.27), dbSNP rs771703938, ClinGen allele CA8331791.